The following is an entry in ClinVar:

NM_014396.4(VPS41):c.622C>T (p.Arg208Trp)

Gene: VPS41 (VPS41 subunit of HOPS complex; minus strand). Cytogenetic location: 7p14.1.
Variant type: single nucleotide variant.
Coding change: c.622C>T on transcript NM_014396.4 (MANE Select); coding-DNA position 622, C replaced by T.
Protein change: p.Arg208Trp; replaces arginine 208 with tryptophan.
Molecular consequence: missense variant.
Genome position (GRCh38, 1-based): chr7:38,795,560, G>A on the plus strand (C>T on the coding strand, the complement: VPS41 is on the minus strand). VCF-style: chr7-38795560-G-A. GRCh37 (hg19) VCF-style: chr7-38835160-G-A.
Other names: c.547C>T, p.Arg183Trp (NM_080631.4); short protein forms R183W, R208W.
Identifiers: ClinVar variation 2359163 (VCV002359163.24), dbSNP rs202230619, ClinGen allele CA4227077.

ClinVar aggregate classification (germline): Uncertain significance. Review status: criteria provided, multiple submitters, no conflicts (2 of 4 stars). 2 submissions from 2 submitters: Uncertain significance (2). Last evaluated 2026-03-01.

Conditions:
Inborn genetic diseases. Identifiers: MedGen C0950123, MeSH D030342.

Allele frequency attached by ClinVar (database versions not stated): gnomAD 0.00011; TOPMed 0.00014; ExAC 0.00016; ESP Exome Variant Server 0.00008.
gnomAD v4.1: 248 of 1,613,034 alleles (0.015%); highest among the groups gnomAD compares: Middle Eastern, 0.049%; no homozygotes.

Submissions (2):

CeGaT Center for Human Genetics Tuebingen
Classification: Uncertain significance. Last evaluated: 2026-03-01. Review status: criteria provided, single submitter. Criteria: CeGaT Center For Human Genetics Tuebingen Variant Classification Criteria Version 2. Collection method: clinical testing. Allele origin: germline. Affected: yes. Observed: 2 variant alleles.
Comment: VPS41: PM2

Ambry Genetics
Classification: Uncertain significance for Inborn genetic diseases. Last evaluated: 2021-06-11. Review status: criteria provided, single submitter. Criteria: Ambry Variant Classification Scheme 2023. Collection method: clinical testing. Allele origin: germline.